The following is an entry in ClinVar:

NM_001005242.3(PKP2):c.2014-157G>T

Gene: PKP2 (plakophilin 2; minus strand). Cytogenetic location: 12p11.21.
Variant type: single nucleotide variant.
Coding change: c.2014-157G>T on transcript NM_001005242.3 (MANE Select); 157 bases into the intron before coding-DNA position 2014, G replaced by T.
Molecular consequence: intron variant.
Genome position (GRCh38, 1-based): chr12:32,802,713, C>A on the plus strand (G>T on the coding strand, the complement: PKP2 is on the minus strand). VCF-style: chr12-32802713-C-A. GRCh37 (hg19) VCF-style: chr12-32955647-C-A.
Other names: c.2146-157G>T (NM_004572.4).
Identifiers: ClinVar variation 672209 (VCV000672209.2), dbSNP rs7975824, ClinGen allele CA15732038.

ClinVar aggregate classification (germline): Benign. Review status: criteria provided, multiple submitters, no conflicts (2 of 4 stars). 2 submissions from 2 submitters: Benign (2). Last evaluated 2018-06-18.

Allele frequency attached by ClinVar (database versions not stated): 1000 Genomes Project 0.46905; 1000 Genomes Project 30x 0.47049; TOPMed 0.58520; gnomAD 0.60524 and 0.60853.
gnomAD v4.1: 92,121 of 152,032 alleles (61%); highest among the groups gnomAD compares: Non-Finnish European, 77%; 30,415 homozygotes.

Submissions (2):

GeneDx
Classification: Benign. Last evaluated: 2018-06-18. Review status: criteria provided, single submitter. Criteria: GeneDx Variant Classification (06012015). Collection method: clinical testing. Allele origin: germline. Affected: yes.
Comment: This variant is considered likely benign or benign based on one or more of the following criteria: it is a conservative change, it occurs at a poorly conserved position in the protein, it is predicted to be benign by multiple in silico algorithms, and/or has population frequency not consistent with disease.

Breakthrough Genomics
Classification: Benign. Review status: criteria provided, single submitter. Criteria: ACMG Guidelines, 2015. Collection method: not provided. Allele origin: germline. Inheritance: Autosomal dominant inheritance. Affected: yes.